The following is an entry in ClinVar:

NM_006231.4(POLE):c.330+1G>T

Gene: POLE (DNA polymerase epsilon, catalytic subunit; minus strand). Cytogenetic location: 12q24.33.
Variant type: single nucleotide variant.
Coding change: c.330+1G>T on transcript NM_006231.4 (MANE Select); the canonical splice donor site of the intron after coding-DNA position 330, G replaced by T.
Molecular consequence: splice donor variant.
Genome position (GRCh38, 1-based): chr12:132,680,177, C>A on the plus strand (G>T on the coding strand, the complement: POLE is on the minus strand). VCF-style: chr12-132680177-C-A. GRCh37 (hg19) VCF-style: chr12-133256763-C-A.
Identifiers: ClinVar variation 3728049 (VCV003728049.2).

ClinVar aggregate classification (germline): Likely pathogenic (1 of 4 stars; one submission).

Submission:

Labcorp Genetics (formerly Invitae), Labcorp
Classification: Likely pathogenic. Last evaluated: 2025-01-06. Review status: criteria provided, single submitter. Criteria: Invitae Variant Classification Sherloc (09022015). Collection method: clinical testing. Allele origin: germline.
Comment: This sequence change affects a donor splice site in intron 4 of the POLE gene. It is expected to disrupt RNA splicing. Variants that disrupt the donor or acceptor splice site typically lead to a loss of protein function (PMID: 16199547), and loss-of-function variants in POLE are known to be pathogenic (PMID: 23230001, 25948378, 30503519). This variant is not present in population databases (gnomAD no frequency). This variant has not been reported in the literature in individuals affected with POLE-related conditions. Algorithms developed to predict the effect of sequence changes on RNA splicing suggest that this variant may disrupt the consensus splice site. In summary, the currently available evidence indicates that the variant is pathogenic, but additional data are needed to prove that conclusively. Therefore, this variant has been classified as Likely Pathogenic.

Literature cited by the submitters: PubMed 16199547; PubMed 23230001; PubMed 25948378; PubMed 30503519.